The following is an entry in ClinVar:

ClinVar aggregate classification (germline): Benign/Likely benign. Review status: criteria provided, multiple submitters, no conflicts (2 of 4 stars). 5 submissions from 5 submitters: Benign (1); Likely benign (4). Last evaluated 2025-10-31.

Conditions:
Hereditary nonpolyposis colorectal neoplasms. Identifiers: MedGen C0009405, MeSH D003123.
Lynch syndrome 5 (LYNCH5). Also called: Colorectal cancer, hereditary nonpolyposis, type 5; Hereditary non-polyposis colorectal cancer, type 5. Identifiers: Orphanet 144, MedGen C1833477, MONDO:0013710, OMIM 614350. Disease mechanism: loss of function.
Hereditary cancer-predisposing syndrome. Also called: Neoplastic Syndromes, Hereditary; Tumor predisposition; Hereditary neoplastic syndrome; Hereditary Cancer Syndrome. Identifiers: Orphanet 140162, MedGen C0027672, MeSH D009386, MONDO:0015356.

Submissions (5):

Labcorp Genetics (formerly Invitae), Labcorp
Classification: Likely benign for Hereditary nonpolyposis colorectal neoplasms. Last evaluated: 2025-10-31. Review status: criteria provided, single submitter. Criteria: Invitae Variant Classification Sherloc (09022015). Collection method: clinical testing. Allele origin: germline.

CeGaT Center for Human Genetics Tuebingen
Classification: Likely benign. Last evaluated: 2025-08-01. Review status: criteria provided, single submitter. Criteria: CeGaT Center For Human Genetics Tuebingen Variant Classification Criteria Version 2. Collection method: clinical testing. Allele origin: germline. Affected: yes. Observed: 1 variant allele.
Comment: MSH6: PM2:Supporting, BP4, BP7

Myriad Genetics, Inc.
Classification: Benign for Lynch syndrome 5. Last evaluated: 2024-12-30. Review status: criteria provided, single submitter. Criteria: Myriad Autosomal Dominant, Autosomal Recessive and X-Linked Classification Criteria (2023). Collection method: clinical testing. Allele origin: unknown.
Comment: This variant is considered benign. This variant is a silent/synonymous amino acid change and it is not expected to impact splicing.

Ambry Genetics
Classification: Likely benign for Hereditary cancer-predisposing syndrome. Last evaluated: 2020-06-10. Review status: criteria provided, single submitter. Criteria: Ambry Variant Classification Scheme 2023. Collection method: clinical testing. Allele origin: germline.

Color Diagnostics, LLC DBA Color Health
Classification: Likely benign for Hereditary cancer-predisposing syndrome. Last evaluated: 2019-11-20. Review status: criteria provided, single submitter. Criteria: ACMG Guidelines, 2015. Collection method: clinical testing. Allele origin: germline.

NM_000179.3(MSH6):c.2028A>G (p.Lys676=)

Gene: MSH6 (mutS homolog 6; plus strand). Cytogenetic location: 2p16.3.
Variant type: single nucleotide variant.
Coding change: c.2028A>G on transcript NM_000179.3 (MANE Select); coding-DNA position 2028, A replaced by G.
Protein change: p.Lys676=; no amino-acid change (lysine 676 retained).
Molecular consequence: synonymous variant.
Genome position (GRCh38, 1-based): chr2:47,800,011, A>G. VCF-style: chr2-47800011-A-G. GRCh37 (hg19) VCF-style: chr2-48027150-A-G.
Other names: c.1638A>G, p.Lys546= (NM_001281492.2); c.1122A>G, p.Lys374= (NM_001281493.2, NM_001281494.2).
Identifiers: ClinVar variation 927087 (VCV000927087.21), dbSNP rs1669410851, ClinGen allele CA426121333.
Genomic context (GRCh38, chr2:47,800,011, plus strand): 5'-CCAGGTGCTTAAAGGTATGACTTCAGAGTCTGATTCCATTGGGTTGACACCAGGAGAGAA[A>G]AGTGAATTGGCCCTCTCTGCTCTAGGTGGTTGTGTCTTCTACCTCAAAAAATGCCTTATT-3'
Protein context (NP_000170.1, residues 666-686): SDSIGLTPGE[Lys676=]SELALSALGG